The following is an entry in ClinVar:

NM_023110.3(FGFR1):c.1621C>G (p.His541Asp)

Gene: FGFR1 (fibroblast growth factor receptor 1; minus strand). Cytogenetic location: 8p11.23.
Variant type: single nucleotide variant.
Coding change: c.1621C>G on transcript NM_023110.3 (MANE Select); coding-DNA position 1621, C replaced by G.
Protein change: p.His541Asp; replaces histidine 541 with aspartic acid.
Molecular consequence: missense variant.
Genome position (GRCh38, 1-based): chr8:38,417,348, G>C on the plus strand (C>G on the coding strand, the complement: FGFR1 is on the minus strand). VCF-style: chr8-38417348-G-C. GRCh37 (hg19) VCF-style: chr8-38274866-G-C.
Other names: c.1354C>G, p.His452Asp (NM_001174066.2, NM_023105.3); c.1714C>G, p.His572Asp (NM_001174067.2); c.1615C>G, p.His539Asp (NM_001354367.2, NM_015850.4, NM_001174063.2 and 1 more transcripts); c.1342C>G, p.His448Asp (NM_001354368.2); c.1609C>G, p.His537Asp (NM_001354369.2, NM_001410922.1); c.1348C>G, p.His450Asp (NM_001354370.2, NM_023106.3); c.1621C>G, p.His541Asp (NM_000604.2); c.1591C>G, p.His531Asp (NM_001174064.2); short protein forms H448D, H450D, H452D, H531D, H537D, H539D, H541D, H572D.
Identifiers: ClinVar variation 2658548 (VCV002658548.24), dbSNP rs559692139, ClinGen allele CA370732127.

ClinVar aggregate classification (germline): Uncertain significance (1 of 4 stars; one submission).

gnomAD v4.1: 1 of 1,613,970 alleles (0.000062%); highest among the groups gnomAD compares: Non-Finnish European, 0.000085%; no homozygotes.

Submission:

CeGaT Center for Human Genetics Tuebingen
Classification: Uncertain significance. Last evaluated: 2022-11-01. Review status: criteria provided, single submitter. Criteria: CeGaT Center For Human Genetics Tuebingen Variant Classification Criteria Version 2. Collection method: clinical testing. Allele origin: germline. Affected: yes. Observed: 1 variant allele.
Comment: FGFR1: PM2, PP3